The following is an entry in ClinVar:

NM_000038.6(APC):c.4689A>G (p.Leu1563=)

Gene: APC (APC regulator of Wnt signaling pathway; plus strand). Cytogenetic location: 5q22.2.
Variant type: single nucleotide variant.
Coding change: c.4689A>G on transcript NM_000038.6 (MANE Select); coding-DNA position 4689, A replaced by G.
Protein change: p.Leu1563=; no amino-acid change (leucine 1563 retained).
Molecular consequence: synonymous variant.
Genome position (GRCh38, 1-based): chr5:112,840,283, A>G. VCF-style: chr5-112840283-A-G. GRCh37 (hg19) VCF-style: chr5-112175980-A-G.
Other names: c.4689A>G, p.Leu1563= (NM_001127510.3, NM_001354895.2); c.4635A>G, p.Leu1545= (NM_001127511.3); c.4743A>G, p.Leu1581= (NM_001354896.2); c.4719A>G, p.Leu1573= (NM_001354897.2); c.4614A>G, p.Leu1538= (NM_001354898.2); c.4605A>G, p.Leu1535= (NM_001354899.2); c.4566A>G, p.Leu1522= (NM_001354900.2); c.4512A>G, p.Leu1504= (NM_001354901.2); and 5 more.
Identifiers: ClinVar variation 490283 (VCV000490283.31), dbSNP rs1440495350, ClinGen allele CA446206673.

ClinVar aggregate classification (germline): Benign/Likely benign. Review status: criteria provided, multiple submitters, no conflicts (2 of 4 stars). 5 submissions from 5 submitters: Benign (1); Likely benign (4). Last evaluated 2024-11-01.

Conditions:
Hereditary cancer-predisposing syndrome. Also called: Hereditary neoplastic syndrome; Neoplastic Syndromes, Hereditary; Hereditary Cancer Syndrome; Tumor predisposition. Identifiers: Orphanet 140162, MedGen C0027672, MeSH D009386, MONDO:0015356.
Familial adenomatous polyposis 1 (FAP1). Also called: FAMILIAL ADENOMATOUS POLYPOSIS 1, ATTENUATED; POLYPOSIS, ADENOMATOUS INTESTINAL. Identifiers: MedGen C2713442, MONDO:0021056, OMIM 175100. Disease mechanism: loss of function.

Allele frequency attached by ClinVar (database versions not stated): TOPMed 0.00001.
gnomAD v4.1: 2 of 1,614,174 alleles (0.00012%); highest among the groups gnomAD compares: East Asian, 0.0022%; no homozygotes.

Submissions (5):

CeGaT Center for Human Genetics Tuebingen
Classification: Likely benign. Last evaluated: 2024-11-01. Review status: criteria provided, single submitter. Criteria: CeGaT Center For Human Genetics Tuebingen Variant Classification Criteria Version 2. Collection method: clinical testing. Allele origin: germline. Affected: yes. Observed: 1 variant allele.
Comment: APC: BP4, BP7

Labcorp Genetics (formerly Invitae), Labcorp
Classification: Likely benign for Familial adenomatous polyposis 1. Last evaluated: 2024-07-30. Review status: criteria provided, single submitter. Criteria: Invitae Variant Classification Sherloc (09022015). Collection method: clinical testing. Allele origin: germline.

Myriad Genetics, Inc.
Classification: Benign for Familial adenomatous polyposis 1. Last evaluated: 2024-03-27. Review status: criteria provided, single submitter. Criteria: Myriad Autosomal Dominant, Autosomal Recessive and X-Linked Classification Criteria (2023). Collection method: clinical testing. Allele origin: unknown.
Comment: This variant is considered benign. This variant is a silent/synonymous amino acid change and it is not expected to impact splicing.

Ambry Genetics
Classification: Likely benign for Hereditary cancer-predisposing syndrome. Last evaluated: 2018-08-30. Review status: criteria provided, single submitter. Criteria: Ambry Variant Classification Scheme 2023. Collection method: clinical testing. Allele origin: germline.

Color Diagnostics, LLC DBA Color Health
Classification: Likely benign for Hereditary cancer-predisposing syndrome. Last evaluated: 2017-07-25. Review status: criteria provided, single submitter. Criteria: ACMG Guidelines, 2015. Collection method: clinical testing. Allele origin: germline.